The following is an entry in ClinVar:

NM_001042472.3(ABHD12):c.406G>A (p.Val136Met)

Gene: ABHD12 (abhydrolase domain containing 12, lysophospholipase; minus strand). Cytogenetic location: 20p11.21.
Variant type: single nucleotide variant.
Coding change: c.406G>A on transcript NM_001042472.3 (MANE Select); coding-DNA position 406, G replaced by A.
Protein change: p.Val136Met; replaces valine 136 with methionine.
Molecular consequence: missense variant.
Genome position (GRCh38, 1-based): chr20:25,323,341, C>T on the plus strand (G>A on the coding strand, the complement: ABHD12 is on the minus strand). VCF-style: chr20-25323341-C-T. GRCh37 (hg19) VCF-style: chr20-25303977-C-T.
Other names: c.406G>A, p.Val136Met (NM_015600.5); short protein forms V136M.
Identifiers: ClinVar variation 954768 (VCV000954768.7), dbSNP rs774057670, ClinGen allele CA9796163.

ClinVar aggregate classification (germline): Uncertain significance. Review status: criteria provided, multiple submitters, no conflicts (2 of 4 stars). 2 submissions from 2 submitters: Uncertain significance (2). Last evaluated 2024-04-25.

Allele frequency attached by ClinVar (database versions not stated): ExAC 0.00003; gnomAD 0.00003; gnomAD exomes 0.00003; TOPMed 0.00003.
gnomAD v4.1: 40 of 1,613,500 alleles (0.0025%); highest among the groups gnomAD compares: Admixed American, 0.005%; no homozygotes.

Submissions (2):

Labcorp Genetics (formerly Invitae), Labcorp
Classification: Uncertain significance. Last evaluated: 2024-04-25. Review status: criteria provided, single submitter. Criteria: Invitae Variant Classification Sherloc (09022015). Collection method: clinical testing. Allele origin: germline.
Comment: This sequence change replaces valine, which is neutral and non-polar, with methionine, which is neutral and non-polar, at codon 136 of the ABHD12 protein (p.Val136Met). This variant is present in population databases (rs774057670, gnomAD 0.008%). This variant has not been reported in the literature in individuals affected with ABHD12-related conditions. ClinVar contains an entry for this variant (Variation ID: 954768). Advanced modeling of protein sequence and biophysical properties (such as structural, functional, and spatial information, amino acid conservation, physicochemical variation, residue mobility, and thermodynamic stability) performed at Invitae indicates that this missense variant is not expected to disrupt ABHD12 protein function with a negative predictive value of 80%. In summary, the available evidence is currently insufficient to determine the role of this variant in disease. Therefore, it has been classified as a Variant of Uncertain Significance.

Blueprint Genetics
Classification: Uncertain significance. Last evaluated: 2021-10-11. Review status: criteria provided, single submitter. Criteria: ACMG Guidelines, 2015. Collection method: clinical testing. Allele origin: germline.